The following is an entry in ClinVar:

NM_130837.3(OPA1):c.2871_2872+1del

Gene: OPA1 (OPA1 mitochondrial dynamin like GTPase; plus strand). Cytogenetic location: 3q29.
Variant type: Deletion.
Coding change: c.2871_2872+1del on transcript NM_130837.3 (MANE Select); coding-DNA position 2871 through the canonical splice donor site of the intron after coding-DNA position 2872, 3 bases deleted (AGG; older notation c.2871_2872+1delAGG).
Molecular consequence: splice donor variant.
Genome position (GRCh38, 1-based): chr3:193,666,388-193,666,390, AGG deleted. VCF-style (leftmost placement, unchanged base first): chr3-193666387-AAGG-A. GRCh37 (hg19) VCF-style: chr3-193384176-AAGG-A.
Other names: c.2334_2335+1del (NM_001354664.2); c.2337_2338+1del (NM_001354663.2); c.2760_2761+1del (NM_130834.3); c.2817_2818+1del (NM_130836.3); c.2706_2707+1del (NM_015560.3); c.2763_2764+1del (NM_130835.3); c.2652_2653+1del (NM_130832.3); c.2709_2710+1del (NM_130833.3); and 1 more.
Identifiers: ClinVar variation 5002994 (VCV005002994.1).

ClinVar aggregate classification (germline): Pathogenic (1 of 4 stars; one submission).

Conditions:
Glaucoma, normal tension, susceptibility to (NTG). Also called: GLAUCOMA, NORMAL PRESSURE, SUSCEPTIBILITY TO. Identifiers: MedGen C1847730, MONDO:0011693, OMIM 606657.

Submission:

OLLIN Analises Genomicas, OLLIN
Classification: Pathogenic for Glaucoma, normal tension, susceptibility to. Last evaluated: 2026-08-06. Review status: criteria provided, single submitter. Criteria: ACMG Guidelines 2015 PMID 25741868. Collection method: clinical testing. Allele origin: germline. Inheritance: Autosomal recessive inheritance.
Comment: This variant, located at the canonical splicing site (splice donor), located in exon 28 (of 31), is absent from gnomAD and ClinVar but has been reported in the scientific literature in individuals with OPA1 related disorders (PMID: 22857269). This variant is predicted to disrupt a canonical splice site, potentially leading to exon skipping, mRNA degradation via nonsense-mediated decay (NMD), or production of a truncated protein. Another pathogenic variant has been reported to result in the same amino acid substitution (PMID: 22857269). According to the currently available evidence, this variant has been classified as pathogenic (PVS1, PS1_P, PM2_P).

Literature cited by the submitters: PubMed 22857269.